The following is an entry in ClinVar:

NM_018699.4(PRDM5):c.866-181A>G

Gene: PRDM5 (PR/SET domain 5; minus strand). Cytogenetic location: 4q27.
Variant type: single nucleotide variant.
Coding change: c.866-181A>G on transcript NM_018699.4 (MANE Select); 181 bases into the intron before coding-DNA position 866, A replaced by G.
Molecular consequence: intron variant.
Genome position (GRCh38, 1-based): chr4:120,811,630, T>C on the plus strand (A>G on the coding strand, the complement: PRDM5 is on the minus strand). VCF-style: chr4-120811630-T-C. GRCh37 (hg19) VCF-style: chr4-121732785-T-C.
Other names: NC_000004.11:g.121732785T>C; c.773-181A>G (NM_001300824.2, NM_001379106.1, NM_001300823.2); c.866-181A>G (NM_001379104.1).
Identifiers: ClinVar variation 677903 (VCV000677903.2), dbSNP rs188427518, ClinGen allele CA105121251.

ClinVar aggregate classification (germline): Likely benign (1 of 4 stars; one submission).

Allele frequency attached by ClinVar (database versions not stated): 1000 Genomes Project 30x 0.00359; 1000 Genomes Project 0.00399; TOPMed 0.00742; gnomAD 0.00813 and 0.00830.
gnomAD v4.1: 1,252 of 152,224 alleles (0.82%); highest among the groups gnomAD compares: Non-Finnish European, 1.3%; 7 homozygotes.

Submissions (2):

GeneDx
Classification: Likely benign. Last evaluated: 2018-06-16. Review status: criteria provided, single submitter. Criteria: GeneDx Variant Classification (06012015). Collection method: clinical testing. Allele origin: germline. Affected: yes.
Comment: This variant is considered likely benign or benign based on one or more of the following criteria: it is a conservative change, it occurs at a poorly conserved position in the protein, it is predicted to be benign by multiple in silico algorithms, and/or has population frequency not consistent with disease.

Dr. Peter K. Rogan Lab, Western University
No classification provided (evidence only). Condition: Cervical cancer. Review status: no classification provided. Collection method: in vitro. Allele origin: not applicable. Functional consequence: retained intron. Not counted in ClinVar's aggregate classification.